The following is an entry in ClinVar:

ClinVar aggregate classification (germline): Uncertain significance (1 of 4 stars; one submission).

Allele frequency attached by ClinVar (database versions not stated): gnomAD 0.00002; gnomAD exomes 0.00002; TOPMed 0.00002.
gnomAD v4.1: 34 of 1,612,664 alleles (0.0021%); highest among the groups gnomAD compares: Non-Finnish European, 0.0029%; no homozygotes.

Submission:

Labcorp Genetics (formerly Invitae), Labcorp
Classification: Uncertain significance. Last evaluated: 2022-09-26. Review status: criteria provided, single submitter. Criteria: Invitae Variant Classification Sherloc (09022015). Collection method: clinical testing. Allele origin: germline.
Comment: This sequence change replaces asparagine, which is neutral and polar, with histidine, which is basic and polar, at codon 435 of the SLC9A3 protein (p.Asn435His). This variant is present in population databases (no rsID available, gnomAD 0.003%). This variant has not been reported in the literature in individuals affected with SLC9A3-related conditions. Advanced modeling of protein sequence and biophysical properties (such as structural, functional, and spatial information, amino acid conservation, physicochemical variation, residue mobility, and thermodynamic stability) performed at Invitae indicates that this missense variant is not expected to disrupt SLC9A3 protein function. In summary, the available evidence is currently insufficient to determine the role of this variant in disease. Therefore, it has been classified as a Variant of Uncertain Significance.

NM_004174.4(SLC9A3):c.1303A>C (p.Asn435His)

Gene: SLC9A3 (solute carrier family 9 member A3). Cytogenetic location: 5p15.33.
Variant type: single nucleotide variant.
Coding change: c.1303A>C on transcript NM_004174.4 (MANE Select); coding-DNA position 1303, A replaced by C.
Protein change: p.Asn435His; replaces asparagine 435 with histidine.
Molecular consequence: missense variant.
Genome position (GRCh38, 1-based): chr5:482,601, T>G on the plus strand (A>C on the coding strand, the complement: SLC9A3 is on the minus strand). VCF-style: chr5-482601-T-G. GRCh37 (hg19) VCF-style: chr5-482716-T-G.
Other names: c.1303A>C, p.Asn435His (NM_001284351.3); short protein forms N435H.
Identifiers: ClinVar variation 2076801 (VCV002076801.1), dbSNP rs1410862422, ClinGen allele CA12110856.
Genomic context (GRCh38, chr5:482,601, plus strand): 5'-GCCTCACCTGGAAGATGACGGTGAAGAACACTACGATGATGGTGGTGCTGACGAACAGGT[T>G]CTTCTCCTTGACCTTGTCTCCATCCAGAAGCACCACCAGGGCAAAGGCCACGGCCCCGCG-3'
Protein context (NP_004165.2, residues 425-445): LLDGDKVKEK[Asn435His]LFVSTTIIVV